The following is an entry in ClinVar:

NM_001377540.1(SLMAP):c.1569G>T (p.Leu523Phe)

Gene: SLMAP (sarcolemma associated protein; plus strand). Cytogenetic location: 3p14.3.
Variant type: single nucleotide variant.
Coding change: c.1569G>T on transcript NM_001377540.1 (MANE Select); coding-DNA position 1569, G replaced by T.
Protein change: p.Leu523Phe; replaces leucine 523 with phenylalanine.
Molecular consequence: missense variant. On other transcripts: intron variant (12).
Genome position (GRCh38, 1-based): chr3:57,907,951, G>T. VCF-style: chr3-57907951-G-T. GRCh37 (hg19) VCF-style: chr3-57893678-G-T.
Other names: c.1518G>T, p.Leu506Phe (NM_001304420.3, NM_001377541.1, NM_001377542.1); c.1404G>T, p.Leu468Phe (NM_001304421.2, NM_001377557.1, NM_001377559.1); c.120G>T, p.Leu40Phe (NM_001304422.3, NM_001311178.2); c.1569G>T, p.Leu523Phe (NM_001377538.1, NM_001377539.1); c.1506G>T, p.Leu502Phe (NM_001377545.1); c.1467G>T, p.Leu489Phe (NM_001377549.1, NM_007159.5); c.1455G>T, p.Leu485Phe (NM_001377551.1, NM_001377552.1); c.1502-1125G>T (NM_001377555.1); and 7 more; short protein forms L40F, L468F, L485F, L523F, L502F, L489F, L506F.
Identifiers: ClinVar variation 1905825 (VCV001905825.5), dbSNP rs1317785636, ClinGen allele CA353407131.

ClinVar aggregate classification (germline): Uncertain significance (1 of 4 stars; one submission).

Conditions:
Brugada syndrome. Also called: Sudden unexpected nocturnal death syndrome; Sudden Unexplained Death Syndrome; Sudden Unexplained Nocturnal Death Syndrome (SUNDS); Sudden unexplained nocturnal death syndrome. Identifiers: Orphanet 130, MedGen C1142166, MONDO:0015263.

Allele frequency attached by ClinVar (database versions not stated): gnomAD exomes below 0.00001; gnomAD 0.00001.
gnomAD v4.1: 2 of 1,613,576 alleles (0.00012%); highest among the groups gnomAD compares: Non-Finnish European, 0.00017%; no homozygotes.

Submission:

Labcorp Genetics (formerly Invitae), Labcorp
Classification: Uncertain significance for Brugada syndrome. Last evaluated: 2022-02-18. Review status: criteria provided, single submitter. Criteria: Invitae Variant Classification Sherloc (09022015). Collection method: clinical testing. Allele origin: germline.
Comment: This sequence change replaces leucine, which is neutral and non-polar, with phenylalanine, which is neutral and non-polar, at codon 489 of the SLMAP protein (p.Leu489Phe). This variant is not present in population databases (gnomAD no frequency). This variant has not been reported in the literature in individuals affected with SLMAP-related conditions. Algorithms developed to predict the effect of missense changes on protein structure and function (SIFT, PolyPhen-2, Align-GVGD) all suggest that this variant is likely to be tolerated. In summary, the available evidence is currently insufficient to determine the role of this variant in disease. Therefore, it has been classified as a Variant of Uncertain Significance.